The following is an entry in ClinVar:

NM_005546.4(ITK):c.138+4T>C

Gene: ITK (IL2 inducible T cell kinase; plus strand). Cytogenetic location: 5q33.3.
Variant type: single nucleotide variant.
Coding change: c.138+4T>C on transcript NM_005546.4 (MANE Select); 4 bases into the intron after coding-DNA position 138, T replaced by C.
Molecular consequence: intron variant.
Genome position (GRCh38, 1-based): chr5:157,181,119, T>C. VCF-style: chr5-157181119-T-C. GRCh37 (hg19) VCF-style: chr5-156608130-T-C.
Identifiers: ClinVar variation 1928280 (VCV001928280.2), dbSNP rs1345629562, ClinGen allele CA806219225.
Genomic context (GRCh38, chr5:157,181,119, plus strand): 5'-GTCCGCTTCTTTGTGTTAACCAAAGCCAGCCTGGCATACTTTGAAGATCGTCATGGGGTA[T>C]GTGAGCAGTTTCATTTGTCTTTTTTCGCATAGCATTTTATGTTTGGACTGGGCTAATGCA-3'

ClinVar aggregate classification (germline): Uncertain significance (1 of 4 stars; one submission).

Conditions:
Lymphoproliferative syndrome 1 (LPFS1). Identifiers: Orphanet 238505, Orphanet 538963, MedGen C3552634, MONDO:0013081, OMIM 613011.

Allele frequency attached by ClinVar (database versions not stated): TOPMed below 0.00001; gnomAD 0.00001; gnomAD exomes 0.00002.
gnomAD v4.1: 25 of 1,613,842 alleles (0.0015%); highest among the groups gnomAD compares: Non-Finnish European, 0.002%; no homozygotes.

Submission:

Labcorp Genetics (formerly Invitae), Labcorp
Classification: Uncertain significance for Lymphoproliferative syndrome 1. Last evaluated: 2021-12-27. Review status: criteria provided, single submitter. Criteria: Invitae Variant Classification Sherloc (09022015). Collection method: clinical testing. Allele origin: germline.
Comment: This sequence change falls in intron 1 of the ITK gene. It does not directly change the encoded amino acid sequence of the ITK protein. It affects a nucleotide within the consensus splice site. This variant is not present in population databases (gnomAD no frequency). This variant has not been reported in the literature in individuals affected with ITK-related conditions. Variants that disrupt the consensus splice site are a relatively common cause of aberrant splicing (PMID: 17576681, 9536098). Algorithms developed to predict the effect of sequence changes on RNA splicing suggest that this variant is not likely to affect RNA splicing. In summary, the available evidence is currently insufficient to determine the role of this variant in disease. Therefore, it has been classified as a Variant of Uncertain Significance.

Literature cited by the submitters: PubMed 17576681; PubMed 9536098.